The following is an entry in ClinVar:

ClinVar aggregate classification (germline): Benign/Likely benign. Review status: criteria provided, multiple submitters, no conflicts (2 of 4 stars). 2 submissions from 2 submitters: Benign (1); Likely benign (1). Last evaluated 2024-04-15.

Conditions:
Hereditary cancer-predisposing syndrome. Also called: Neoplastic Syndromes, Hereditary; Tumor predisposition; Hereditary Cancer Syndrome; Hereditary neoplastic syndrome. Identifiers: Orphanet 140162, MedGen C0027672, MeSH D009386, MONDO:0015356.
Familial adenomatous polyposis 1 (FAP1). Also called: FAMILIAL ADENOMATOUS POLYPOSIS 1, ATTENUATED; POLYPOSIS, ADENOMATOUS INTESTINAL. Identifiers: MedGen C2713442, MONDO:0021056, OMIM 175100. Disease mechanism: loss of function.

Allele frequency attached by ClinVar (database versions not stated): gnomAD exomes below 0.00001.
gnomAD v4.1: 1 of 1,613,908 alleles (0.000062%); highest among the groups gnomAD compares: Non-Finnish European, 0.000085%; no homozygotes.

Submissions (2):

Myriad Genetics, Inc.
Classification: Benign for Familial adenomatous polyposis 1. Last evaluated: 2024-04-15. Review status: criteria provided, single submitter. Criteria: Myriad Autosomal Dominant, Autosomal Recessive and X-Linked Classification Criteria (2023). Collection method: clinical testing. Allele origin: unknown.
Comment: This variant is considered benign. This variant is a silent/synonymous amino acid change and it is not expected to impact splicing.

Ambry Genetics
Classification: Likely benign for Hereditary cancer-predisposing syndrome. Last evaluated: 2021-01-19. Review status: criteria provided, single submitter. Criteria: Ambry Variant Classification Scheme 2023. Collection method: clinical testing. Allele origin: germline.

NM_000038.6(APC):c.8295C>T (p.Ser2765=)

Gene: APC (APC regulator of Wnt signaling pathway; plus strand). Cytogenetic location: 5q22.2.
Variant type: single nucleotide variant.
Coding change: c.8295C>T on transcript NM_000038.6 (MANE Select); coding-DNA position 8295, C replaced by T.
Protein change: p.Ser2765=; no amino-acid change (serine 2765 retained).
Molecular consequence: synonymous variant. On other transcripts: non-coding transcript variant (2).
Genome position (GRCh38, 1-based): chr5:112,843,889, C>T. VCF-style: chr5-112843889-C-T. GRCh37 (hg19) VCF-style: chr5-112179586-C-T.
Other names: c.7908C>T, p.Ser2636= (NM_001407469.1, NM_001407467.1); c.7992C>T, p.Ser2664= (NM_001407458.1, NM_001407460.1, NM_001407459.1 and 1 more transcripts); c.7446C>T, p.Ser2482= (NM_001407470.1, NM_001354906.2); c.8295C>T, p.Ser2765= (NM_001127510.3, NM_001354895.2, NM_001407450.1); c.8241C>T, p.Ser2747= (NM_001127511.3); c.8349C>T, p.Ser2783= (NM_001354896.2, NM_001407447.1, NM_001407448.1 and 1 more transcripts); c.8325C>T, p.Ser2775= (NM_001354897.2); c.8220C>T, p.Ser2740= (NM_001354898.2); and 11 more.
Identifiers: ClinVar variation 1762779 (VCV001762779.3), dbSNP rs2150002701, ClinGen allele CA446211437.